The following is an entry in ClinVar:

NM_001735.3(C5):c.1234C>G (p.Arg412Gly)

Gene: C5 (complement C5; minus strand). Cytogenetic location: 9q33.2.
Variant type: single nucleotide variant.
Coding change: c.1234C>G on transcript NM_001735.3 (MANE Select); coding-DNA position 1234, C replaced by G.
Protein change: p.Arg412Gly; replaces arginine 412 with glycine.
Molecular consequence: missense variant.
Genome position (GRCh38, 1-based): chr9:121,021,577, G>C on the plus strand (C>G on the coding strand, the complement: C5 is on the minus strand). VCF-style: chr9-121021577-G-C. GRCh37 (hg19) VCF-style: chr9-123783855-G-C.
Other names: c.1252C>G, p.Arg418Gly (NM_001317163.2); c.1234C>G, p.Arg412Gly (NM_001317164.2); short protein forms R412G, R418G.
Identifiers: ClinVar variation 2046556 (VCV002046556.2), dbSNP rs148822412, ClinGen allele CA5218131.

ClinVar aggregate classification (germline): Uncertain significance. Review status: criteria provided, multiple submitters, no conflicts (2 of 4 stars). 2 submissions from 2 submitters: Uncertain significance (2). Last evaluated 2024-10-17.

Allele frequency attached by ClinVar (database versions not stated): ExAC 0.00009; gnomAD 0.00013; ESP Exome Variant Server 0.00023.
gnomAD v4.1: 338 of 1,613,512 alleles (0.021%); highest among the groups gnomAD compares: Non-Finnish European, 0.028%; no homozygotes.

Submissions (2):

Ambry Genetics
Classification: Uncertain significance. Last evaluated: 2024-10-17. Review status: criteria provided, single submitter. Criteria: Ambry Variant Classification Scheme 2023. Collection method: clinical testing. Allele origin: germline.

Labcorp Genetics (formerly Invitae), Labcorp
Classification: Uncertain significance. Last evaluated: 2022-07-22. Review status: criteria provided, single submitter. Criteria: Invitae Variant Classification Sherloc (09022015). Collection method: clinical testing. Allele origin: germline.
Comment: This sequence change replaces arginine, which is basic and polar, with glycine, which is neutral and non-polar, at codon 412 of the C5 protein (p.Arg412Gly). This variant is present in population databases (rs148822412, gnomAD 0.02%). This variant has not been reported in the literature in individuals affected with C5-related conditions. Algorithms developed to predict the effect of missense changes on protein structure and function output the following: SIFT: "Tolerated"; PolyPhen-2: "Benign"; Align-GVGD: "Class C0". The glycine amino acid residue is found in multiple mammalian species, which suggests that this missense change does not adversely affect protein function. In summary, the available evidence is currently insufficient to determine the role of this variant in disease. Therefore, it has been classified as a Variant of Uncertain Significance.